The following is an entry in ClinVar:

ClinVar aggregate classification (germline): Pathogenic. Review status: criteria provided, multiple submitters, no conflicts (2 of 4 stars). 5 submissions from 5 submitters: Pathogenic (5). Last evaluated 2026-01-26.

Conditions:
Steroid-resistant nephrotic syndrome. Identifiers: MedGen C0403397, MONDO:0044765, HP:0012588.
Nephrotic syndrome, type 2 (NPHS2). Also called: NEPHROTIC SYNDROME, STEROID-RESISTANT, AUTOSOMAL RECESSIVE. Identifiers: Orphanet 656, MedGen C1868672, MONDO:0010974, OMIM 600995.

gnomAD v4.1: 5 of 1,602,298 alleles (0.00031%); highest among the groups gnomAD compares: Non-Finnish European, 0.00042%; no homozygotes.

Submissions (5):

Natera, Inc.
Classification: Pathogenic for Steroid-resistant nephrotic syndrome. Last evaluated: 2026-01-26. Review status: criteria provided, single submitter. Criteria: Natera Variant Classification Schema (03/2026). Collection method: clinical testing. Allele origin: germline.
Comment: The c.259G>T variant in NPHS2 is a nonsense variant predicted to introduce a stop codon at amino acid 87. This variant is expected to result in nonsense mediated decay, truncation, or a dysfunctional protein product. This variant is rare in the general population with a frequency below the threshold expected for the associated phenotype(s). This variant has been observed in one or more individuals affected with the associated recessive disease, as either homozygous or compound heterozygous with a second variant (PMID: 25720465, 18216321). Given the available evidence, this variant is classified as Pathogenic.

Victorian Clinical Genetics Services, Murdoch Childrens Research Institute
Classification: Pathogenic for Nephrotic syndrome, type 2. Last evaluated: 2025-03-24. Review status: criteria provided, single submitter. Criteria: ACMG Guidelines, 2015. Collection method: clinical testing. Allele origin: germline. Affected: yes.
Comment: This variant is classified as Pathogenic. Evidence in support of pathogenic classification: Variant is predicted to cause nonsense-mediated decay (NMD) and loss of protein (premature termination codon is located at least 54 nucleotides upstream of the final exon-exon junction); Variant is present in gnomAD <0.01 for a recessive condition (v4: 5 heterozygote(s), 0 homozygote(s)); This variant has strong previous evidence of pathogenicity in unrelated individuals. This variant has been classified as pathogenic by multiple clinical laboratories (ClinVar); Other NMD-predicted variant(s) comparable to the one identified in this case have very strong previous evidence for pathogenicity (DECIPHER). Additional information: This variant is heterozygous; This gene is associated with autosomal recessive disease; Loss of function is a known mechanism of disease in this gene and is associated with nephrotic syndrome, type 2 (MIM#600995); Inheritance information for this variant is not currently available in this individual.

Fulgent Genetics
Classification: Pathogenic for Nephrotic syndrome, type 2. Last evaluated: 2024-02-08. Review status: criteria provided, single submitter. Criteria: ACMG Guidelines, 2015. Collection method: clinical testing. Allele origin: germline.

Labcorp Genetics (formerly Invitae), Labcorp
Classification: Pathogenic. Last evaluated: 2023-02-18. Review status: criteria provided, single submitter. Criteria: Invitae Variant Classification Sherloc (09022015). Collection method: clinical testing. Allele origin: germline.
Comment: For these reasons, this variant has been classified as Pathogenic. ClinVar contains an entry for this variant (Variation ID: 917730). This premature translational stop signal has been observed in individual(s) with steroid resistant nephrotic syndrome (PMID: 18216321, 18380020, 24227627). This variant is not present in population databases (gnomAD no frequency). This sequence change creates a premature translational stop signal (p.Glu87*) in the NPHS2 gene. It is expected to result in an absent or disrupted protein product. Loss-of-function variants in NPHS2 are known to be pathogenic (PMID: 10742096, 14701729, 15253708, 23595123).

Women's Health and Genetics/Laboratory Corporation of America, LabCorp
Classification: Pathogenic for Idiopathic nephrotic syndrome. Last evaluated: 2021-10-16. Review status: criteria provided, single submitter. Criteria: LabCorp Variant Classification Summary - May 2015. Collection method: clinical testing. Allele origin: germline.
Comment: Variant summary: NPHS2 c.259G>T (p.Glu87X) results in a premature termination codon, predicted to cause a truncation of the encoded protein or absence of the protein due to nonsense mediated decay, which are commonly known mechanisms for disease. Truncations downstream of this position have been classified as pathogenic by our laboratory. The variant was absent in 235564 control chromosomes (gnomAD). c.259G>T has been reported in the literature in individuals affected with Nephrotic Syndrome, Type 2 (examples- Tikhomirov_2007, Hinkes_2008, Cil_2015). These data indicate that the variant is associated with disease. To our knowledge, no experimental evidence demonstrating an impact on protein function has been reported. No other clinical diagnostic laboratories have submitted clinical-significance assessments for this variant to ClinVar after 2014. Based on the evidence outlined above, the variant was classified as pathogenic.

Literature cited by the submitters: PubMed 25720465 (cited by Natera, Inc. and Women's Health and Genetics/Laboratory Corporation of America, LabCorp); PubMed 18216321 (cited by 3 submitters); PubMed 18380020 (cited by Labcorp Genetics (formerly Invitae), Labcorp and Women's Health and Genetics/Laboratory Corporation of America, LabCorp); PubMed 24227627 (cited by Labcorp Genetics (formerly Invitae), Labcorp and Women's Health and Genetics/Laboratory Corporation of America, LabCorp); PubMed 10742096 (cited by Labcorp Genetics (formerly Invitae), Labcorp); PubMed 14701729 (cited by Labcorp Genetics (formerly Invitae), Labcorp); PubMed 15253708 (cited by Labcorp Genetics (formerly Invitae), Labcorp); PubMed 23595123 (cited by Labcorp Genetics (formerly Invitae), Labcorp); PubMed 25349199 (cited by Women's Health and Genetics/Laboratory Corporation of America, LabCorp); PubMed 24509478 (cited by Women's Health and Genetics/Laboratory Corporation of America, LabCorp).

NM_014625.4(NPHS2):c.259G>T (p.Glu87Ter)

Gene: NPHS2 (NPHS2 stomatin family member, podocin; minus strand). Cytogenetic location: 1q25.2.
Variant type: single nucleotide variant.
Coding change: c.259G>T on transcript NM_014625.4 (MANE Select); coding-DNA position 259, G replaced by T.
Protein change: p.Glu87Ter; replaces glutamic acid 87 with a stop codon.
Molecular consequence: nonsense.
Genome position (GRCh38, 1-based): chr1:179,575,606, C>A on the plus strand (G>T on the coding strand, the complement: NPHS2 is on the minus strand). VCF-style: chr1-179575606-C-A. GRCh37 (hg19) VCF-style: chr1-179544741-C-A.
Other names: c.259G>T, p.Glu87Ter (NM_001297575.2); short protein forms E87*.
Identifiers: ClinVar variation 917730 (VCV000917730.12), dbSNP rs776016821, ClinGen allele CA343552591.